The following is an entry in ClinVar:

NM_001852.4(COL9A2):c.1576G>A (p.Val526Met)

Gene: COL9A2 (collagen type IX alpha 2 chain; minus strand). Cytogenetic location: 1p34.2.
Variant type: single nucleotide variant.
Coding change: c.1576G>A on transcript NM_001852.4 (MANE Select); coding-DNA position 1576, G replaced by A.
Protein change: p.Val526Met; replaces valine 526 with methionine.
Molecular consequence: missense variant.
Genome position (GRCh38, 1-based): chr1:40,303,158, C>T on the plus strand (G>A on the coding strand, the complement: COL9A2 is on the minus strand). VCF-style: chr1-40303158-C-T. GRCh37 (hg19) VCF-style: chr1-40768830-C-T.
Other names: short protein forms V526M.
Identifiers: ClinVar variation 196169 (VCV000196169.19), dbSNP rs141556170, ClinGen allele CA243036.

ClinVar aggregate classification (germline): Conflicting classifications of pathogenicity. Review status: criteria provided, conflicting classifications (1 of 4 stars). 7 submissions from 7 submitters: Uncertain significance (2); Likely benign (4). 1 of the submissions does not count toward it. Last evaluated 2026-01-15.

Conditions:
COL9A2-related disorder. Also called: COL9A2-related condition.
Stickler syndrome, type 5 (STL5). Also called: COL9A2-Related Stickler Syndrome. Identifiers: Orphanet 250984, Orphanet 828, MedGen C3280342, MONDO:0013666, OMIM 614284.

Allele frequency attached by ClinVar (database versions not stated): gnomAD exomes 0.00009 and 0.00027; ExAC 0.00038; 1000 Genomes Project 30x 0.00078; 1000 Genomes Project 0.00080; gnomAD 0.00101 and 0.00111; TOPMed 0.00109; ESP Exome Variant Server 0.00131.
gnomAD v4.1: 284 of 1,612,860 alleles (0.018%); highest among the groups gnomAD compares: African/African-American, 0.36%; no homozygotes.

Submissions (7):

Labcorp Genetics (formerly Invitae), Labcorp
Classification: Likely benign. Last evaluated: 2026-01-15. Review status: criteria provided, single submitter. Criteria: Invitae Variant Classification Sherloc (09022015). Collection method: clinical testing. Allele origin: germline.

Women's Health and Genetics/Laboratory Corporation of America, LabCorp
Classification: Likely benign. Last evaluated: 2025-09-09. Review status: criteria provided, single submitter. Criteria: LabCorp Variant Classification Summary - May 2015. Collection method: clinical testing. Allele origin: germline.
Comment: Variant summary: COL9A2 c.1576G>A (p.Val526Met) results in a conservative amino acid change in the encoded protein sequence. Algorithms developed to predict the effect of missense changes on protein structure and function are either unavailable or do not agree on the potential impact of this missense change. The variant allele was found at a frequency of 0.00027 in 248416 control chromosomes, predominantly at a frequency of 0.004 within the African or African-American subpopulation in the gnomAD database. The observed variant frequency within African or African-American control individuals in the gnomAD database exceeds the estimated maximal expected allele frequency for disease-causing variants in COL9A2. To our knowledge, no occurrence of c.1576G>A in individuals affected with COL9A2-related conditions and no experimental evidence demonstrating its impact on protein function have been reported. ClinVar contains an entry for this variant (Variation ID: 196169). Based on the evidence outlined above, the variant was classified as likely benign.

Blueprint Genetics
Classification: Likely benign. Last evaluated: 2024-07-14. Review status: criteria provided, single submitter. Criteria: ACMG Guidelines, 2015. Collection method: clinical testing. Allele origin: germline.

Johns Hopkins Genomics, Johns Hopkins University
Classification: Uncertain significance for Stickler syndrome, type 5. Last evaluated: 2021-05-05. Review status: criteria provided, single submitter. Criteria: ACMG Guidelines, 2015. Collection method: clinical testing. Allele origin: germline.

GeneDx
Classification: Likely benign. Last evaluated: 2021-03-05. Review status: criteria provided, single submitter. Criteria: GeneDx Variant Classification Process June 2021. Collection method: clinical testing. Allele origin: germline. Affected: yes.

Eurofins Ntd Llc (ga)
Classification: Uncertain significance. Last evaluated: 2015-03-10. Review status: criteria provided, single submitter. Criteria: EGL Classification Definitions 2015. Collection method: clinical testing. Allele origin: germline. Observed: 1 variant allele, 1 heterozygote.

PreventionGenetics, part of Exact Sciences
Classification: Likely benign for COL9A2-related condition. Last evaluated: 2024-04-30. Review status: no assertion criteria provided. Collection method: clinical testing. Allele origin: germline. Not counted in ClinVar's aggregate classification.
Comment: This variant is classified as likely benign based on ACMG/AMP sequence variant interpretation guidelines (Richards et al. 2015 PMID: 25741868, with internal and published modifications).